The following is an entry in ClinVar:

NM_006118.4(HAX1):c.821G>A (p.Arg274His)

Gene: HAX1 (HCLS1 associated protein X-1; plus strand). Cytogenetic location: 1q21.3.
Variant type: single nucleotide variant.
Coding change: c.821G>A on transcript NM_006118.4 (MANE Select); coding-DNA position 821, G replaced by A.
Protein change: p.Arg274His; replaces arginine 274 with histidine.
Molecular consequence: missense variant.
Genome position (GRCh38, 1-based): chr1:154,275,682, G>A. VCF-style: chr1-154275682-G-A. GRCh37 (hg19) VCF-style: chr1-154248158-G-A.
Other names: c.677G>A, p.Arg226His (NM_001018837.2); short protein forms R226H, R274H.
Identifiers: ClinVar variation 2219705 (VCV002219705.3), dbSNP rs1188252134, ClinGen allele CA342594162.
Genomic context (GRCh38, chr1:154,275,682, plus strand): 5'-AATCACCAAGACCTCCAGCCCTGGATGATGCCTTTTCCATCCTGGACTTATTCCTGGGAC[G>A]TTGGTTCCGGTCCCGGTAGCCTTGTTAACCCTCAGAGGCCTTCAAGTCCTTTCCACCTCT-3'
Protein context (NP_006109.2, residues 264-279): AFSILDLFLG[Arg274His]WFRSR

ClinVar aggregate classification (germline): Uncertain significance (1 of 4 stars; one submission).

Conditions:
Inborn genetic diseases. Identifiers: MedGen C0950123, MeSH D030342.

Allele frequency attached by ClinVar (database versions not stated): gnomAD exomes below 0.00001; TOPMed 0.00002.
gnomAD v4.1: 1 of 1,613,502 alleles (0.000062%); highest among the groups gnomAD compares: Non-Finnish European, 0.000085%; no homozygotes.

Submission:

Ambry Genetics
Classification: Uncertain significance for Inborn genetic diseases. Last evaluated: 2025-01-19. Review status: criteria provided, single submitter. Criteria: Ambry Variant Classification Scheme 2023. Collection method: clinical testing. Allele origin: germline.
Comment: The p.R274H variant (also known as c.821G>A), located in coding exon 7 of the HAX1 gene, results from a G to A substitution at nucleotide position 821. The arginine at codon 274 is replaced by histidine, an amino acid with highly similar properties. This amino acid position is conserved. In addition, the in silico prediction for this alteration is inconclusive. Based on the available evidence, the clinical significance of this variant remains unclear.